The following is an entry in ClinVar:

NM_006302.3(MOGS):c.110C>T (p.Pro37Leu)

Genes: MOGS (mannosyl-oligosaccharide glucosidase; minus strand), LOC129934128 (ATAC-STARR-seq lymphoblastoid silent region 11664; plus strand). Cytogenetic location: 2p13.1.
Variant type: single nucleotide variant.
Coding change: c.110C>T on transcript NM_006302.3 (MANE Select); coding-DNA position 110, C replaced by T.
Protein change: p.Pro37Leu; replaces proline 37 with leucine.
Molecular consequence: missense variant. On other transcripts: intron variant (1).
Genome position (GRCh38, 1-based): chr2:74,465,138, G>A on the plus strand (C>T on the coding strand, the complement: MOGS is on the minus strand). VCF-style: chr2-74465138-G-A. GRCh37 (hg19) VCF-style: chr2-74692265-G-A.
Other names: c.-58-151C>T (NM_001146158.2); short protein forms P37L.
Identifiers: ClinVar variation 1479328 (VCV001479328.4), dbSNP rs984549045, ClinGen allele CA50477117.

ClinVar aggregate classification (germline): Uncertain significance (1 of 4 stars; one submission).

Conditions:
MOGS-congenital disorder of glycosylation. Also called: MOGS-CDG; GLUCOSIDASE I DEFICIENCY; CDG IIb; CDG 2B. Identifiers: Orphanet 79330, MedGen C1853736, MONDO:0011629, OMIM 606056.

Allele frequency attached by ClinVar (database versions not stated): TOPMed 0.00001.
gnomAD v4.1: 3 of 1,533,076 alleles (0.0002%); highest among the groups gnomAD compares: Admixed American, 0.002%; no homozygotes.

Submission:

Labcorp Genetics (formerly Invitae), Labcorp
Classification: Uncertain significance for MOGS-congenital disorder of glycosylation. Last evaluated: 2022-07-26. Review status: criteria provided, single submitter. Criteria: Invitae Variant Classification Sherloc (09022015). Collection method: clinical testing. Allele origin: germline.
Comment: This variant has not been reported in the literature in individuals affected with MOGS-related conditions. ClinVar contains an entry for this variant (Variation ID: 1479328). Algorithms developed to predict the effect of missense changes on protein structure and function (SIFT, PolyPhen-2, Align-GVGD) all suggest that this variant is likely to be tolerated. In summary, the available evidence is currently insufficient to determine the role of this variant in disease. Therefore, it has been classified as a Variant of Uncertain Significance. This variant is not present in population databases (gnomAD no frequency). This sequence change replaces proline, which is neutral and non-polar, with leucine, which is neutral and non-polar, at codon 37 of the MOGS protein (p.Pro37Leu).